The following is an entry in ClinVar:

ClinVar aggregate classification (germline): Uncertain significance. Review status: criteria provided, multiple submitters, no conflicts (2 of 4 stars). 2 submissions from 2 submitters: Uncertain significance (2). Last evaluated 2025-08-17.

Conditions:
Dilated cardiomyopathy 1G (CMD1G). Identifiers: Orphanet 154, MedGen C1858763, MONDO:0011400, OMIM 604145.
Autosomal recessive limb-girdle muscular dystrophy type 2J (LGMDR10). Also called: Limb-girdle muscular dystrophy, type 2J; MUSCULAR DYSTROPHY, LIMB-GIRDLE, AUTOSOMAL RECESSIVE 10. Identifiers: Orphanet 140922, MedGen C1837342, MONDO:0012127, OMIM 608807.

Allele frequency attached by ClinVar (database versions not stated): gnomAD exomes below 0.00001; TOPMed below 0.00001; gnomAD 0.00002.
gnomAD v4.1: 4 of 1,613,836 alleles (0.00025%); highest among the groups gnomAD compares: African/African-American, 0.0053%; no homozygotes.

Submissions (2):

Labcorp Genetics (formerly Invitae), Labcorp
Classification: Uncertain significance for Dilated cardiomyopathy 1G; Autosomal recessive limb-girdle muscular dystrophy type 2J. Last evaluated: 2025-08-17. Review status: criteria provided, single submitter. Criteria: Invitae Variant Classification Sherloc (09022015). Collection method: clinical testing. Allele origin: germline.
Comment: This sequence change replaces serine, which is neutral and polar, with leucine, which is neutral and non-polar, at codon 35579 of the TTN protein (p.Ser35579Leu). This variant is present in population databases (rs727504462, gnomAD 0.01%). This variant has not been reported in the literature in individuals affected with TTN-related conditions. ClinVar contains an entry for this variant (Variation ID: 178815). Experimental studies and prediction algorithms are not available or were not evaluated, and the functional significance of this variant is currently unknown. This variant is located in the M band of TTN (PMID: 25589632). Non-truncating variants in this region may be relevant for neuromuscular disorders, but have not been definitively shown to cause cardiomyopathy (PMID: 23975875). In summary, the available evidence is currently insufficient to determine the role of this variant in disease. Therefore, it has been classified as a Variant of Uncertain Significance.

Laboratory for Molecular Medicine, Mass General Brigham Personalized Medicine
Classification: Uncertain significance. Last evaluated: 2013-03-26. Review status: criteria provided, single submitter. Criteria: LMM Criteria. Collection method: clinical testing. Allele origin: germline. Observed: 1 variant allele.
Comment: The Ser33011Leu variant in TTN has not been reported in the literature nor previ ously identified by our laboratory. This variant has also not been identified in large and broad European American and African American populations by the NHLBI Exome Sequencing Project, though it may be c ommon in other populations. Computational analyses (biochemical amino acid prope rties, conservation, AlignGVGD, PolyPhen2, and SIFT) do not provide strong suppo rt for or against an impact to the protein. Additional information is needed to fully assess the clinical significance of this variant.

Literature cited by the submitters: PubMed 25589632 (cited by Labcorp Genetics (formerly Invitae), Labcorp); PubMed 23975875 (cited by Labcorp Genetics (formerly Invitae), Labcorp).

NM_001267550.2(TTN):c.106736C>T (p.Ser35579Leu)

Genes: TTN (titin; minus strand), TTN-AS1 (TTN antisense RNA 1; plus strand). Cytogenetic location: 2q31.2.
Variant type: single nucleotide variant.
Coding change: c.106736C>T on transcript NM_001267550.2 (MANE Select); coding-DNA position 106736, C replaced by T.
Protein change: p.Ser35579Leu; replaces serine 35579 with leucine.
Molecular consequence: missense variant.
Genome position (GRCh38, 1-based): chr2:178,529,015, G>A on the plus strand (C>T on the coding strand, the complement: TTN is on the minus strand). VCF-style: chr2-178529015-G-A. GRCh37 (hg19) VCF-style: chr2-179393742-G-A.
Other names: c.101813C>T, p.Ser33938Leu (NM_001256850.1); c.79541C>T, p.Ser26514Leu (NM_003319.4); c.79916C>T, p.Ser26639Leu (NM_133432.3); c.80117C>T, p.Ser26706Leu (NM_133437.4); c.99032C>T, p.Ser33011Leu (NM_133378.4); short protein forms S33011L, S35579L, S33938L, S26514L, S26706L, S26639L.
Identifiers: ClinVar variation 178815 (VCV000178815.15), dbSNP rs727504462, ClinGen allele CA183090.